The following is an entry in ClinVar:

NM_144670.6(A2ML1):c.3903G>C (p.Glu1301Asp)

Gene: A2ML1 (alpha-2-macroglobulin like 1; plus strand). Cytogenetic location: 12p13.31.
Variant type: single nucleotide variant.
Coding change: c.3903G>C on transcript NM_144670.6 (MANE Select); coding-DNA position 3903, G replaced by C.
Protein change: p.Glu1301Asp; replaces glutamic acid 1301 with aspartic acid.
Molecular consequence: missense variant.
Genome position (GRCh38, 1-based): chr12:8,868,027, G>C. VCF-style: chr12-8868027-G-C. GRCh37 (hg19) VCF-style: chr12-9020623-G-C.
Other names: c.2430G>C, p.Glu810Asp (NM_001282424.3); c.3903G>C (NM_144670.3); short protein forms E1301D, E810D.
Identifiers: ClinVar variation 241909 (VCV000241909.19), dbSNP rs77431272, ClinGen allele CA6436509.

ClinVar aggregate classification (germline): Conflicting classifications of pathogenicity. Review status: criteria provided, conflicting classifications (1 of 4 stars). 6 submissions from 6 submitters: Uncertain significance (1); Benign (2); Likely benign (2). 1 of the submissions does not count toward it. Last evaluated 2026-02-04.

Conditions:
A2ML1-related disorder. Also called: A2ML1-related condition.

Allele frequency attached by ClinVar (database versions not stated): gnomAD exomes 0.00012 and 0.00027; ExAC 0.00032; 1000 Genomes Project 30x 0.00078; 1000 Genomes Project 0.00080; gnomAD 0.00126 and 0.00138; ESP Exome Variant Server 0.00131; TOPMed 0.00148.
gnomAD v4.1: 388 of 1,614,252 alleles (0.024%); highest among the groups gnomAD compares: African/African-American, 0.44%; 1 homozygote.

Submissions (6):

Labcorp Genetics (formerly Invitae), Labcorp
Classification: Likely benign. Last evaluated: 2026-02-04. Review status: criteria provided, single submitter. Criteria: Invitae Variant Classification Sherloc (09022015). Collection method: clinical testing. Allele origin: germline.

Ambry Genetics
Classification: Uncertain significance. Last evaluated: 2025-08-03. Review status: criteria provided, single submitter. Criteria: Ambry Variant Classification Scheme 2023. Collection method: clinical testing. Allele origin: germline.

Women's Health and Genetics/Laboratory Corporation of America, LabCorp
Classification: Benign. Last evaluated: 2019-12-30. Review status: criteria provided, single submitter. Criteria: LabCorp Variant Classification Summary - May 2015. Collection method: clinical testing. Allele origin: germline.
Comment: Variant summary: A2ML1 c.3903G>C (p.Glu1301Asp) results in a conservative amino acid change in the encoded protein sequence. Four of five in-silico tools predict a benign effect of the variant on protein function. The variant allele was found at a frequency of 0.00027 in 249334 control chromosomes. The observed variant frequency is approximately 67 fold of the estimated maximal expected allele frequency for a pathogenic variant in A2ML1 causing Noonan Syndrome phenotype (4e-06), strongly suggesting that the variant is benign. To our knowledge, no occurrence of c.3903G>C in individuals affected with Noonan Syndrome and no experimental evidence demonstrating its impact on protein function have been reported. Two clinical diagnostic laboratories have submitted clinical-significance assessments for this variant to ClinVar after 2014 without evidence for independent evaluation. All laboratories classified the variant as benign (n=1)/likely benign (n=1). Based on the evidence outlined above, the variant was classified as benign.

GeneDx
Classification: Benign. Last evaluated: 2017-05-19. Review status: criteria provided, single submitter. Criteria: GeneDx Variant Classification (06012015). Collection method: clinical testing. Allele origin: germline. Affected: yes.
Comment: This variant is considered likely benign or benign based on one or more of the following criteria: it is a conservative change, it occurs at a poorly conserved position in the protein, it is predicted to be benign by multiple in silico algorithms, and/or has population frequency not consistent with disease.

Breakthrough Genomics
Classification: Likely benign. Review status: criteria provided, single submitter. Criteria: ACMG Guidelines, 2015. Collection method: not provided. Allele origin: germline. Inheritance: Autosomal dominant inheritance. Affected: yes.

PreventionGenetics, part of Exact Sciences
Classification: Likely benign for A2ML1-related condition. Last evaluated: 2022-03-21. Review status: no assertion criteria provided. Collection method: clinical testing. Allele origin: germline. Not counted in ClinVar's aggregate classification.
Comment: This variant is classified as likely benign based on ACMG/AMP sequence variant interpretation guidelines (Richards et al. 2015 PMID: 25741868, with internal and published modifications).